The following is an entry in ClinVar:

NM_000127.3(EXT1):c.1600G>A (p.Val534Met)

Gene: EXT1 (exostosin glycosyltransferase 1; minus strand). Cytogenetic location: 8q24.11.
Variant type: single nucleotide variant.
Coding change: c.1600G>A on transcript NM_000127.3 (MANE Select); coding-DNA position 1600, G replaced by A.
Protein change: p.Val534Met; replaces valine 534 with methionine.
Molecular consequence: missense variant.
Genome position (GRCh38, 1-based): chr8:117,818,467, C>T on the plus strand (G>A on the coding strand, the complement: EXT1 is on the minus strand). VCF-style: chr8-117818467-C-T. GRCh37 (hg19) VCF-style: chr8-118830706-C-T.
Other names: short protein forms V534M.
Identifiers: ClinVar variation 4748075 (VCV004748075.3).

ClinVar aggregate classification (germline): Uncertain significance. Review status: criteria provided, multiple submitters, no conflicts (2 of 4 stars). 2 submissions from 2 submitters: Uncertain significance (2). Last evaluated 2025-12-14.

Conditions:
Multiple congenital exostosis (EXT). Also called: MULTIPLE CARTILAGINOUS EXOSTOSES; Hereditary multiple osteochondromas; Multiple exostoses; Hereditary multiple exostoses; Hereditary multiple exostosis; Multiple osteochondromas. Identifiers: Orphanet 321, MedGen C0015306, MONDO:0005508, HP:0002762.

gnomAD v4.1: 3 of 1,614,120 alleles (0.00019%); highest among the groups gnomAD compares: Non-Finnish European, 0.00025%; no homozygotes.

Submissions (2):

Labcorp Genetics (formerly Invitae), Labcorp
Classification: Uncertain significance for Multiple congenital exostosis. Last evaluated: 2025-12-14. Review status: criteria provided, single submitter. Criteria: Invitae Variant Classification Sherloc (09022015). Collection method: clinical testing. Allele origin: germline.
Comment: This sequence change replaces valine, which is neutral and non-polar, with methionine, which is neutral and non-polar, at codon 534 of the EXT1 protein (p.Val534Met). This variant is present in population databases (rs769496005, gnomAD 0.0009%). This variant has not been reported in the literature in individuals affected with EXT1-related conditions. Invitae Evidence Modeling of protein sequence and biophysical properties (such as structural, functional, and spatial information, amino acid conservation, physicochemical variation, residue mobility, and thermodynamic stability) indicates that this missense variant is not expected to disrupt EXT1 protein function with a negative predictive value of 80%. In summary, the available evidence is currently insufficient to determine the role of this variant in disease. Therefore, it has been classified as a Variant of Uncertain Significance.

Dasa
Classification: Uncertain significance. Last evaluated: 2024-12-17. Review status: criteria provided, single submitter. Criteria: DASA Assertion Criteria. Collection method: clinical testing. Allele origin: germline.
Comment: NM_000127.3(EXT1):c.1600G>A (p.Val534Met) is a missense variant that results in the substitution of valine with methionine. This variant is rare in population databases. The currently available literature and clinical evidence are not sufficient to establish a definitive association between this variant and the reported condition. Therefore, this variant is classified as a variant of uncertain significance.